The following is an entry in ClinVar:

NM_001146227.3(RPS20):c.410C>T (p.Pro137Leu)

Gene: RPS20 (ribosomal protein S20; minus strand). Cytogenetic location: 8q12.1.
Variant type: single nucleotide variant.
Coding change: c.410C>T on transcript NM_001146227.3; coding-DNA position 410, C replaced by T.
Protein change: p.Pro137Leu; replaces proline 137 with leucine.
Molecular consequence: missense variant.
Genome position (GRCh38, 1-based): chr8:56,069,757, G>A on the plus strand (C>T on the coding strand, the complement: RPS20 is on the minus strand). VCF-style: chr8-56069757-G-A. GRCh37 (hg19) VCF-style: chr8-56982316-G-A.
Other names: short protein forms P137L.
Identifiers: ClinVar variation 1049806 (VCV001049806.3), dbSNP rs542038027, ClinGen allele CA4754287.
Genomic context (GRCh38, chr8:56,069,757, plus strand): 5'-TTATACCTGCTTGGTCACTTTTTTGGCGGAGGAGAATGCAGTTAAAAAGGACATGTCCCC[G>A]GGGATTCGAATACACTTCTCAAAGTGTACTGCTGGCCCTCTGTATCCATGGGTTCTGCAT-3'

ClinVar aggregate classification (germline): Uncertain significance (0 of 4 stars; one submission).

Allele frequency attached by ClinVar (database versions not stated): gnomAD 0.00007 and 0.00001; 1000 Genomes Project 0.00100; ExAC 0.00091; gnomAD exomes 0.00017 and 0.00038; 1000 Genomes Project 30x 0.00078.
gnomAD v4.1: 258 of 1,551,474 alleles (0.017%); highest among the groups gnomAD compares: South Asian, 0.28%; 1 homozygote.

Submission:

Department of Pathology and Laboratory Medicine, Sinai Health System
Classification: Uncertain significance. Review status: no assertion criteria provided. Collection method: clinical testing. Allele origin: unknown. Affected: yes. Study: The Canadian Open Genetics Repository (COGR).
Comment: The RPS20 p.Pro137Leu variant was not identified in the literature nor was it identified in ClinVar or LOVD 3.0. The variant was identified in dbSNP (ID: rs542038027) and in control databases in 59 of 149530 chromosomes (1 homozygous) at a frequency of 0.0003946 (Genome Aggregation Database March 6, 2019, v2.1.1, non-cancer). The variant was observed in the following populations: South Asian in 57 of 22754 chromosomes (freq: 0.002505) and Other in 2 of 4222 chromosomes (freq: 0.000474), but was not observed in the African, Latino, Ashkenazi Jewish, East Asian, European (Finnish), or European (non-Finnish) populations. The p.Pro137 residue has limited species conservation information and three out of four computational analyses (PolyPhen-2, AlignGVGD, BLOSUM, MutationTaster) do not suggest a high likelihood of impact to the protein; however, this information is not predictive enough to rule out pathogenicity. The variant occurs outside of the splicing consensus sequence and in silico or computational prediction software programs (SpliceSiteFinder, MaxEntScan, NNSPLICE, GeneSplicer) do not predict a difference in splicing. In summary, based on the above information the clinical significance of this variant cannot be determined with certainty at this time. This variant is classified as a variant of uncertain significance.